The following is an entry in ClinVar:

ClinVar aggregate classification (germline): Uncertain significance (1 of 4 stars; one submission).

Submission:

Athena Diagnostics
Classification: Uncertain significance. Last evaluated: 2025-03-27. Review status: criteria provided, single submitter. Criteria: Athena Diagnostics Criteria. Collection method: clinical testing. Allele origin: unknown.
Comment: Available data are insufficient to determine the clinical significance of the variant at this time. This variant has not been reported in large, multi-ethnic general populations. Computational tools yielded predictions that this variant is unlikely to have an effect on normal RNA splicing.

NM_000435.3(NOTCH3):c.6165G>T (p.Ala2055=)

Gene: NOTCH3 (notch receptor 3; minus strand). Cytogenetic location: 19p13.12.
Variant type: single nucleotide variant.
Coding change: c.6165G>T on transcript NM_000435.3 (MANE Select); coding-DNA position 6165, G replaced by T.
Protein change: p.Ala2055=; no amino-acid change (alanine 2055 retained).
Molecular consequence: synonymous variant.
Genome position (GRCh38, 1-based): chr19:15,161,463, C>A on the plus strand (G>T on the coding strand, the complement: NOTCH3 is on the minus strand). VCF-style: chr19-15161463-C-A. GRCh37 (hg19) VCF-style: chr19-15272274-C-A.
Identifiers: ClinVar variation 4682315 (VCV004682315.1).